The following is an entry in ClinVar:

NM_004519.4(KCNQ3):c.-142G>T

Gene: KCNQ3 (potassium voltage-gated channel subfamily Q member 3; minus strand). Cytogenetic location: 8q24.22.
Variant type: single nucleotide variant.
Coding change: c.-142G>T on transcript NM_004519.4 (MANE Select); 142 bases upstream of the start codon, G replaced by T.
Molecular consequence: 5 prime UTR variant.
Genome position (GRCh38, 1-based): chr8:132,480,674, C>A on the plus strand (G>T on the coding strand, the complement: KCNQ3 is on the minus strand). VCF-style: chr8-132480674-C-A. GRCh37 (hg19) VCF-style: chr8-133492921-C-A.
Other names: NC_000008.10:g.133492921C>A.
Identifiers: ClinVar variation 361897 (VCV000361897.9), dbSNP rs28606540, ClinGen allele CA10630275.
Genomic context (GRCh38, chr8:132,480,674, plus strand): 5'-GCGGCGGCGGCTGCAAGCCCGGGAACTCCAATGCCATGATCCGCGCGCCCCTCCCCACCC[C>A]CCCCCAAAAGCAGGCAAAGGCGGGCCCCCTGGGGGGCAGGGGAGGCCAGGCAGGGGGTCA-3'

ClinVar aggregate classification (germline): Benign. Review status: criteria provided, multiple submitters, no conflicts (2 of 4 stars). 3 submissions from 3 submitters: Benign (3). Last evaluated 2018-06-14.

Conditions:
Seizures, benign familial neonatal, 2. Also called: CONVULSIONS, BENIGN FAMILIAL NEONATAL, 2; KCNQ3-Related Self-Limited Familial Neonatal Epilepsy (SLFNE); Benign Neonatal Epilepsy 2; KCNQ3-Related Benign Familial Neonatal Epilepsy; Seizures, benign neonatal, 2. Identifiers: Orphanet 1949, MedGen C1852581, MONDO:0007366, OMIM 121201.

Allele frequency attached by ClinVar (database versions not stated): 1000 Genomes Project 30x 0.21424; 1000 Genomes Project 0.22744.
gnomAD v4.1: 252,910 of 863,908 alleles (29%); highest among the groups gnomAD compares: East Asian, 32%; 42,959 homozygotes.

Submissions (13):

GeneDx
Classification: Benign. Last evaluated: 2018-06-14. Review status: criteria provided, single submitter. Criteria: GeneDx Variant Classification (06012015). Collection method: clinical testing. Allele origin: germline. Affected: yes.
Comment: This variant is considered likely benign or benign based on one or more of the following criteria: it is a conservative change, it occurs at a poorly conserved position in the protein, it is predicted to be benign by multiple in silico algorithms, and/or has population frequency not consistent with disease.

Illumina Laboratory Services, Illumina
Classification: Benign for Seizures, benign familial neonatal, 2. Last evaluated: 2018-01-12. Review status: criteria provided, single submitter. Criteria: ICSL Variant Classification Criteria 13 December 2019. Collection method: clinical testing. Allele origin: germline.
Comment: This variant was observed in the ICSL laboratory as part of a predisposition screen in an ostensibly healthy population. It had not been previously curated by ICSL or reported in the Human Gene Mutation Database (HGMD: prior to June 1st, 2018), and was therefore a candidate for classification through an automated scoring system. Utilizing variant allele frequency, disease prevalence and penetrance estimates, and inheritance mode, an automated score was calculated to assess if this variant is too frequent to cause the disease. Based on the score and internal cut-off values, a variant classified as benign is not then subjected to further curation. The score for this variant resulted in a classification of benign for this disease.

Breakthrough Genomics
Classification: Benign. Review status: criteria provided, single submitter. Criteria: ACMG Guidelines, 2015. Collection method: not provided. Allele origin: germline. Inheritance: Autosomal dominant inheritance. Affected: yes.

Dr. Peter K. Rogan Lab, Western University
No classification provided (evidence only). Condition: Thyroid cancer, nonmedullary, 1. Review status: no classification provided. Collection method: in vitro. Allele origin: not applicable. Functional consequence: retained intron. Not counted in ClinVar's aggregate classification.

Dr. Peter K. Rogan Lab, Western University
No classification provided (evidence only). Condition: Cholangiocarcinoma. Review status: no classification provided. Collection method: in vitro. Allele origin: not applicable. Functional consequence: retained intron. Not counted in ClinVar's aggregate classification.

Dr. Peter K. Rogan Lab, Western University
No classification provided (evidence only). Condition: Ovarian serous cystadenocarcinoma. Review status: no classification provided. Collection method: in vitro. Allele origin: not applicable. Functional consequence: retained intron. Not counted in ClinVar's aggregate classification.

Dr. Peter K. Rogan Lab, Western University
No classification provided (evidence only). Condition: Ovarian serous cystadenocarcinoma. Review status: no classification provided. Collection method: in vitro. Allele origin: not applicable. Functional consequence: retained intron. Not counted in ClinVar's aggregate classification.

Dr. Peter K. Rogan Lab, Western University
No classification provided (evidence only). Condition: Ovarian serous cystadenocarcinoma. Review status: no classification provided. Collection method: in vitro. Allele origin: not applicable. Functional consequence: retained intron. Not counted in ClinVar's aggregate classification.

Dr. Peter K. Rogan Lab, Western University
No classification provided (evidence only). Condition: Ovarian serous cystadenocarcinoma. Review status: no classification provided. Collection method: in vitro. Allele origin: not applicable. Functional consequence: retained intron. Not counted in ClinVar's aggregate classification.

Dr. Peter K. Rogan Lab, Western University
No classification provided (evidence only). Condition: Malignant tumor of esophagus. Review status: no classification provided. Collection method: in vitro. Allele origin: not applicable. Functional consequence: retained intron. Not counted in ClinVar's aggregate classification.

Dr. Peter K. Rogan Lab, Western University
No classification provided (evidence only). Condition: Malignant tumor of esophagus. Review status: no classification provided. Collection method: in vitro. Allele origin: not applicable. Functional consequence: retained intron. Not counted in ClinVar's aggregate classification.

Dr. Peter K. Rogan Lab, Western University
No classification provided (evidence only). Condition: Nonpapillary renal cell carcinoma. Review status: no classification provided. Collection method: in vitro. Allele origin: not applicable. Functional consequence: retained intron. Not counted in ClinVar's aggregate classification.

Dr. Peter K. Rogan Lab, Western University
No classification provided (evidence only). Condition: Lymphoma. Review status: no classification provided. Collection method: in vitro. Allele origin: not applicable. Functional consequence: retained intron. Not counted in ClinVar's aggregate classification.